The following is an entry in ClinVar:

NM_001904.4(CTNNB1):c.1022G>A (p.Ser341Asn)

Gene: CTNNB1 (catenin beta 1; plus strand). Cytogenetic location: 3p22.1.
Variant type: single nucleotide variant.
Coding change: c.1022G>A on transcript NM_001904.4 (MANE Select); coding-DNA position 1022, G replaced by A.
Protein change: p.Ser341Asn; replaces serine 341 with asparagine.
Molecular consequence: missense variant.
Genome position (GRCh38, 1-based): chr3:41,227,293, G>A. VCF-style: chr3-41227293-G-A. GRCh37 (hg19) VCF-style: chr3-41268784-G-A.
Other names: c.1022G>A, p.Ser341Asn (NM_001098209.2, NM_001098210.2); c.1001G>A, p.Ser334Asn (NM_001330729.2); short protein forms S341N, S334N.
Identifiers: ClinVar variation 1522336 (VCV001522336.8), dbSNP rs2125627993, ClinGen allele CA352231590.

ClinVar aggregate classification (germline): Uncertain significance (1 of 4 stars; one submission).

Submission:

Labcorp Genetics (formerly Invitae), Labcorp
Classification: Uncertain significance. Last evaluated: 2021-02-08. Review status: criteria provided, single submitter. Criteria: Invitae Variant Classification Sherloc (09022015). Collection method: clinical testing. Allele origin: germline.
Comment: In summary, the available evidence is currently insufficient to determine the role of this variant in disease. Therefore, it has been classified as a Variant of Uncertain Significance. Algorithms developed to predict the effect of missense changes on protein structure and function are either unavailable or do not agree on the potential impact of this missense change (SIFT: "Tolerated"; PolyPhen-2: "Possibly Damaging"; Align-GVGD: "Class C0"). This variant has not been reported in the literature in individuals with CTNNB1-related conditions. This variant is not present in population databases (ExAC no frequency). This sequence change replaces serine with asparagine at codon 341 of the CTNNB1 protein (p.Ser341Asn). The serine residue is highly conserved and there is a small physicochemical difference between serine and asparagine.